The following is an entry in ClinVar:

NM_001854.4(COL11A1):c.2662C>T (p.Arg888Ter)

Gene: COL11A1 (collagen type XI alpha 1 chain; minus strand). Cytogenetic location: 1p21.1.
Variant type: single nucleotide variant.
Coding change: c.2662C>T on transcript NM_001854.4 (MANE Select); coding-DNA position 2662, C replaced by T.
Protein change: p.Arg888Ter; replaces arginine 888 with a stop codon.
Molecular consequence: nonsense. On other transcripts: non-coding transcript variant (1).
Genome position (GRCh38, 1-based): chr1:102,978,907, G>A on the plus strand (C>T on the coding strand, the complement: COL11A1 is on the minus strand). VCF-style: chr1-102978907-G-A. GRCh37 (hg19) VCF-style: chr1-103444463-G-A.
Other names: c.2545C>T, p.Arg849Ter (NM_001190709.2); c.2698C>T, p.Arg900Ter (NM_080629.3); c.2314C>T, p.Arg772Ter (NM_080630.4); short protein forms R772*, R849*, R888*, R900*.
Identifiers: ClinVar variation 1220290 (VCV001220290.3), dbSNP rs748815162, ClinGen allele CA974331.
Genomic context (GRCh38, chr1:102,978,907, plus strand): 5'-GTACAGGTGATACCTTTGGCCCAGGTTTCCCAGTGGGACCTCTTGCACCTCTTGAACCTC[G>A]AGGACCCTGCAGATGAGAACAAAAGATGAACCCAAACTAATGCCAGACAAATCCAAAGAC-3'

ClinVar aggregate classification (germline): Pathogenic (1 of 4 stars; one submission).

Allele frequency attached by ClinVar (database versions not stated): gnomAD exomes below 0.00001; ExAC 0.00001.
gnomAD v4.1: 3 of 1,614,132 alleles (0.00019%); highest among the groups gnomAD compares: Admixed American, 0.0017%; no homozygotes.

Submission:

GeneDx
Classification: Pathogenic. Last evaluated: 2021-03-05. Review status: criteria provided, single submitter. Criteria: GeneDx Variant Classification Process June 2021. Collection method: clinical testing. Allele origin: germline. Affected: yes.
Comment: Nonsense variant predicted to result in protein truncation or nonsense-mediated decay in a gene for which loss-of-function is a known mechanism of disease; Not observed at a significant frequency in large population cohorts (Lek et al., 2016); This variant is associated with the following publications: (PMID: 26633542)